The following is an entry in ClinVar:

NM_007294.4(BRCA1):c.1641T>A (p.Asn547Lys)

Gene: BRCA1 (BRCA1 DNA repair associated; minus strand). Cytogenetic location: 17q21.31.
Variant type: single nucleotide variant.
Coding change: c.1641T>A on transcript NM_007294.4 (MANE Select); coding-DNA position 1641, T replaced by A.
Protein change: p.Asn547Lys; replaces asparagine 547 with lysine.
Molecular consequence: missense variant. On other transcripts: intron variant (137).
Genome position (GRCh38, 1-based): chr17:43,093,890, A>T on the plus strand (T>A on the coding strand, the complement: BRCA1 is on the minus strand). VCF-style: chr17-43093890-A-T. GRCh37 (hg19) VCF-style: chr17-41245907-A-T.
Other names: c.1641T>A, p.Asn547Lys (NM_001407623.1, NM_001407624.1, NM_001407625.1 and 30 more transcripts); c.1638T>A, p.Asn546Lys (NM_001407627.1, NM_001407628.1, NM_001407629.1 and 22 more transcripts); c.1632T>A, p.Asn544Lys (NM_001407646.1, NM_001407647.1); c.1518T>A, p.Asn506Lys (NM_001407648.1, NM_001407664.1, NM_001407665.1 and 19 more transcripts); c.1563T>A, p.Asn521Lys (NM_001407653.1, NM_001407655.1, NM_001407656.1 and 4 more transcripts); c.1515T>A, p.Asn505Lys (NM_001407649.1, NM_001407670.1, NM_001407671.1 and 11 more transcripts); c.1428T>A, p.Asn476Lys (NM_001407571.1, NM_001407853.1, NM_001407894.1 and 9 more transcripts); c.1560T>A, p.Asn520Lys (NM_001407659.1, NM_001407660.1, NM_001407661.1 and 1 more transcripts); and 40 more; short protein forms N379K, N479K, N500K, N521K, N420K, N436K, N499K, N505K.
Identifiers: ClinVar variation 4625458 (VCV004625458.1).

ClinVar aggregate classification (germline): Uncertain significance (1 of 4 stars; one submission).

Conditions:
Hereditary cancer-predisposing syndrome. Also called: Neoplastic Syndromes, Hereditary; Tumor predisposition; Hereditary Cancer Syndrome; Hereditary neoplastic syndrome. Identifiers: Orphanet 140162, MedGen C0027672, MeSH D009386, MONDO:0015356.

Submission:

Ambry Genetics
Classification: Uncertain significance for Hereditary cancer-predisposing syndrome. Last evaluated: 2025-11-09. Review status: criteria provided, single submitter. Criteria: Ambry Variant Classification Scheme 2023. Collection method: clinical testing. Allele origin: germline.
Comment: The p.N547K variant (also known as c.1641T>A), located in coding exon 9 of the BRCA1 gene, results from a T to A substitution at nucleotide position 1641. The asparagine at codon 547 is replaced by lysine, an amino acid with similar properties. This amino acid position is conserved. In addition, the in silico prediction for this alteration is inconclusive. Based on the available evidence, the clinical significance of this variant remains unclear.